The following is an entry in ClinVar:

ClinVar aggregate classification (germline): Uncertain significance. Review status: criteria provided, multiple submitters, no conflicts (2 of 4 stars). 3 submissions from 3 submitters: Uncertain significance (3). Last evaluated 2025-07-09.

Conditions:
Cardiovascular phenotype. Identifiers: MedGen CN230736.
Long QT syndrome (LQTS). Identifiers: MedGen C0023976, MeSH D008133, MONDO:0002442. Disease mechanism: loss of function. Inheritance: Various modes of inheritance.

Allele frequency attached by ClinVar (database versions not stated): ExAC 0.00001; gnomAD exomes 0.00001.
gnomAD v4.1: 14 of 1,614,058 alleles (0.00087%); highest among the groups gnomAD compares: Non-Finnish European, 0.0011%; no homozygotes.

Submissions (3):

Labcorp Genetics (formerly Invitae), Labcorp
Classification: Uncertain significance for Long QT syndrome. Last evaluated: 2025-07-09. Review status: criteria provided, single submitter. Criteria: Invitae Variant Classification Sherloc (09022015). Collection method: clinical testing. Allele origin: germline.
Comment: This sequence change replaces tyrosine, which is neutral and polar, with histidine, which is basic and polar, at codon 2519 of the AKAP9 protein (p.Tyr2519His). This variant is present in population databases (rs752977579, gnomAD 0.002%). This variant has not been reported in the literature in individuals affected with AKAP9-related conditions. ClinVar contains an entry for this variant (Variation ID: 439398). An algorithm developed to predict the effect of missense changes on protein structure and function outputs the following: PolyPhen-2: "Benign". The histidine amino acid residue is found in multiple mammalian species, which suggests that this missense change does not adversely affect protein function. In summary, the available evidence is currently insufficient to determine the role of this variant in disease. Therefore, it has been classified as a Variant of Uncertain Significance.

Ambry Genetics
Classification: Uncertain significance for Cardiovascular phenotype. Last evaluated: 2025-06-20. Review status: criteria provided, single submitter. Criteria: Ambry Variant Classification Scheme 2023. Collection method: clinical testing. Allele origin: germline.
Comment: The p.Y2519H variant (also known as c.7555T>C), located in coding exon 31 of the AKAP9 gene, results from a T to C substitution at nucleotide position 7555. The tyrosine at codon 2519 is replaced by histidine, an amino acid with similar properties. This amino acid position is not well conserved in available vertebrate species, and histidine is the reference amino acid in other vertebrate species. In addition, this alteration is predicted to be tolerated by in silico analysis. Since supporting evidence is limited at this time, the clinical significance of this alteration remains unclear.

ARUP Laboratories, Molecular Genetics and Genomics, ARUP Laboratories
Classification: Uncertain significance. Last evaluated: 2017-05-24. Review status: criteria provided, single submitter. Criteria: ARUP Molecular Germline Variant Investigation Process. Collection method: clinical testing. Allele origin: germline.
Comment: The p.Tyr2519His variant (rs752977579) has not been reported in the medical literature, is not listed in gene-specific variant databases, nor has it been previously identified in our laboratory. It is listed in the Genome Aggregation Database (gnomAD) browser with a frequency in non-Finnish Europeans of 0.0004% (identified in 2 out of 111,334 chromosomes). The tyrosine at codon 2519 is moderately conserved considering 11 species (Alamut software v2.9), and computational analyses suggest this variant does not have a significant effect on AKAP9 protein structure/function (SIFT: tolerated, PolyPhen2: benign, and Mutation Taster: polymorphism). However, based on the available information, the clinical significance of the p.Tyr2519His variant cannot be determined with certainty.

NM_005751.5(AKAP9):c.7555T>C (p.Tyr2519His)

Gene: AKAP9 (A-kinase anchoring protein 9; plus strand). Cytogenetic location: 7q21.2.
Variant type: single nucleotide variant.
Coding change: c.7555T>C on transcript NM_005751.5 (MANE Select); coding-DNA position 7555, T replaced by C.
Protein change: p.Tyr2519His; replaces tyrosine 2519 with histidine.
Molecular consequence: missense variant.
Genome position (GRCh38, 1-based): chr7:92,079,688, T>C. VCF-style: chr7-92079688-T-C. GRCh37 (hg19) VCF-style: chr7-91709002-T-C.
Other names: c.2200T>C, p.Tyr734His (NM_001379277.1); c.7531T>C, p.Tyr2511His (NM_147185.3); short protein forms Y2519H, Y2511H, Y734H.
Identifiers: ClinVar variation 439398 (VCV000439398.14), dbSNP rs752977579, ClinGen allele CA4337307.